The following is an entry in ClinVar:

NM_145691.4(ATPAF2):c.132A>C (p.Thr44=)

Genes: ATPAF2 (ATP synthase mitochondrial F1 complex assembly factor 2; minus strand), LOC130060409 (ATAC-STARR-seq lymphoblastoid active region 11820; plus strand). Cytogenetic location: 17p11.2.
Variant type: single nucleotide variant.
Coding change: c.132A>C on transcript NM_145691.4 (MANE Select); coding-DNA position 132, A replaced by C.
Protein change: p.Thr44=; no amino-acid change (threonine 44 retained).
Molecular consequence: synonymous variant.
Genome position (GRCh38, 1-based): chr17:18,038,882, T>G on the plus strand (A>C on the coding strand, the complement: ATPAF2 is on the minus strand). VCF-style: chr17-18038882-T-G. GRCh37 (hg19) VCF-style: chr17-17942196-T-G.
Identifiers: ClinVar variation 1691032 (VCV001691032.2), dbSNP rs752169082, ClinGen allele CA498199890.

ClinVar aggregate classification (germline): Uncertain significance (1 of 4 stars; one submission).

gnomAD v4.1: 1 of 1,613,998 alleles (0.000062%); no homozygotes.

Submission:

Laboratorio de Genetica e Diagnostico Molecular, Hospital Israelita Albert Einstein
Classification: Uncertain significance. Last evaluated: 2021-07-08. Review status: criteria provided, single submitter. Criteria: ACMG Guidelines, 2015. Collection method: clinical testing. Allele origin: germline. Affected: yes.
Comment: ACMG classification criteria: PM2, BP7